The following is an entry in ClinVar:

ClinVar aggregate classification (germline): Uncertain significance (1 of 4 stars; one submission).

Conditions:
Familial melanoma. Also called: Hereditary melanoma; Hereditary cutaneous melanoma. Identifiers: Orphanet 618, MedGen C1512419, MONDO:0018961.

Submission:

Labcorp Genetics (formerly Invitae), Labcorp
Classification: Uncertain significance for Familial melanoma. Last evaluated: 2020-05-14. Review status: criteria provided, single submitter. Criteria: Invitae Variant Classification Sherloc (09022015). Collection method: clinical testing. Allele origin: germline.
Comment: In summary, the available evidence is currently insufficient to determine the role of this variant in disease. Therefore, it has been classified as a Variant of Uncertain Significance. This sequence change replaces serine with threonine at codon 218 of the CDK4 protein (p.Ser218Thr). The serine residue is highly conserved and there is a small physicochemical difference between serine and threonine. This variant is not present in population databases (ExAC no frequency). This variant has not been reported in the literature in individuals with CDK4-related conditions. Algorithms developed to predict the effect of missense changes on protein structure and function are either unavailable or do not agree on the potential impact of this missense change (SIFT: "Deleterious"; PolyPhen-2: "Benign"; Align-GVGD: "Class C55").

NM_000075.4(CDK4):c.652T>A (p.Ser218Thr)

Genes: CDK4 (cyclin dependent kinase 4; minus strand), TSPAN31 (tetraspanin 31; plus strand). Cytogenetic location: 12q14.1.
Variant type: single nucleotide variant.
Coding change: c.652T>A on transcript NM_000075.4 (MANE Select); coding-DNA position 652, T replaced by A.
Protein change: p.Ser218Thr; replaces serine 218 with threonine.
Molecular consequence: missense variant. On other transcripts: 3 prime UTR variant (3).
Genome position (GRCh38, 1-based): chr12:57,749,485, A>T on the plus strand (T>A on the coding strand, the complement: CDK4 is on the minus strand). VCF-style: chr12-57749485-A-T. GRCh37 (hg19) VCF-style: chr12-58143268-A-T.
Other names: c.*2195A>T (NM_001330168.2, NM_001330169.2, NM_005981.5); short protein forms S218T.
Identifiers: ClinVar variation 1019503 (VCV001019503.8), dbSNP rs1955206277, ClinGen allele CA385544118.